The following is an entry in ClinVar:

ClinVar aggregate classification (germline): Uncertain significance (1 of 4 stars; one submission).

Conditions:
Ehlers-Danlos syndrome, classic type, 1 (EDSCL1). Also called: EHLERS-DANLOS SYNDROME, GRAVIS TYPE; EHLERS-DANLOS SYNDROME, SEVERE CLASSIC TYPE; Ehlers-Danlos syndrome, type 1; Ehlers-Danlos Syndrome, Classic Type, COL5A1-Related; EDS I. Identifiers: MedGen C0268335, MONDO:0019567, OMIM 130000.
Osteogenesis imperfecta type I (OI1). Also called: OI, TYPE I; OSTEOGENESIS IMPERFECTA TARDA; OSTEOGENESIS IMPERFECTA WITH BLUE SCLERAE; Osteogenesis imperfecta type 1; Lobstein's Disease; Lobstein disease. Identifiers: Orphanet 216796, Orphanet 666, MedGen C0023931, MONDO:0008146, OMIM 166200. Disease mechanism: loss of function.

gnomAD v4.1: 1 of 1,610,786 alleles (0.000062%); highest among the groups gnomAD compares: South Asian, 0.0011%; no homozygotes.

Submission:

Labcorp Genetics (formerly Invitae), Labcorp
Classification: Uncertain significance for Osteogenesis imperfecta type I; Ehlers-Danlos syndrome, classic type, 1. Last evaluated: 2024-09-21. Review status: criteria provided, single submitter. Criteria: Invitae Variant Classification Sherloc (09022015). Collection method: clinical testing. Allele origin: germline.
Comment: This sequence change falls in intron 10 of the COL1A2 gene. It does not directly change the encoded amino acid sequence of the COL1A2 protein. It affects a nucleotide within the consensus splice site. This variant is present in population databases (no rsID available, gnomAD 0.003%). This variant has not been reported in the literature in individuals affected with COL1A2-related conditions. Variants that disrupt the consensus splice site are a relatively common cause of aberrant splicing (PMID: 17576681, 9536098). Algorithms developed to predict the effect of sequence changes on RNA splicing suggest that this variant may disrupt the consensus splice site. In summary, the available evidence is currently insufficient to determine the role of this variant in disease. Therefore, it has been classified as a Variant of Uncertain Significance.

Literature cited by the submitters: PubMed 17576681; PubMed 9536098.

NM_000089.4(COL1A2):c.487-3A>G

Gene: COL1A2 (collagen type I alpha 2 chain; plus strand). Cytogenetic location: 7q21.3.
Variant type: single nucleotide variant.
Coding change: c.487-3A>G on transcript NM_000089.4 (MANE Select); 3 bases into the intron before coding-DNA position 487, A replaced by G.
Molecular consequence: intron variant.
Genome position (GRCh38, 1-based): chr7:94,405,670, A>G. VCF-style: chr7-94405670-A-G. GRCh37 (hg19) VCF-style: chr7-94034982-A-G.
Identifiers: ClinVar variation 3759192 (VCV003759192.2).